The following is an entry in ClinVar:

NM_015909.4(NBAS):c.3426_3427delinsTT (p.Met1142_His1143delinsIleTyr)

Gene: NBAS (NBAS subunit of NRZ tethering complex; minus strand). Cytogenetic location: 2p24.3.
Variant type: Indel.
Coding change: c.3426_3427delinsTT on transcript NM_015909.4 (MANE Select); coding-DNA positions 3426 to 3427, GC replaced by TT.
Protein change: p.Met1142_His1143delinsIleTyr.
Molecular consequence: missense variant. On other transcripts: non-coding transcript variant (1).
Genome position (GRCh38, 1-based): chr2:15,379,765-15,379,766, GC replaced by AA on the plus strand (GC replaced by TT on the coding strand, the reverse complement: NBAS is on the minus strand). VCF-style: chr2-15379765-GC-AA. GRCh37 (hg19) VCF-style: chr2-15519889-GC-AA.
Identifiers: ClinVar variation 2128552 (VCV002128552.4), dbSNP rs2528762596, ClinGen allele CA2580063630.
Genomic context (GRCh38, chr2:15,379,765, plus strand): 5'-AGTGGGGTTTCCCTTTATGGGCTATACCAGCTGGAGGATTTTCTGAACAAGCACTGCAGT[GC>AA]ATCATCTGTCCAGCCAGGTGGATGTTTTCAAGGCGACTAGAGCACAGAAGGCTTTCTGTA-3'

ClinVar aggregate classification (germline): Uncertain significance (1 of 4 stars; one submission).

Submission:

Labcorp Genetics (formerly Invitae), Labcorp
Classification: Uncertain significance. Last evaluated: 2022-04-28. Review status: criteria provided, single submitter. Criteria: Invitae Variant Classification Sherloc (09022015). Collection method: clinical testing. Allele origin: germline.
Comment: In summary, the available evidence is currently insufficient to determine the role of this variant in disease. Therefore, it has been classified as a Variant of Uncertain Significance. Experimental studies and prediction algorithms are not available or were not evaluated, and the functional significance of this variant is currently unknown. This variant has not been reported in the literature in individuals affected with NBAS-related conditions. Information on the frequency of this variant in the gnomAD database is not available, as this variant may be reported differently in the database. This variant, c.3426_3427delinsTT, is a complex sequence change that results in the deletion of 2 and insertion of 2 amino acid(s) in the NBAS protein (p.Met1142_His1143delinsIleTyr).